The following is an entry in ClinVar:

NM_000041.4(APOE):c.279A>C (p.Lys93Asn)

Gene: APOE (apolipoprotein E; plus strand). Cytogenetic location: 19q13.32.
Variant type: single nucleotide variant.
Coding change: c.279A>C on transcript NM_000041.4 (MANE Select); coding-DNA position 279, A replaced by C.
Protein change: p.Lys93Asn; replaces lysine 93 with asparagine.
Molecular consequence: missense variant.
Genome position (GRCh38, 1-based): chr19:44,908,575, A>C. VCF-style: chr19-44908575-A-C. GRCh37 (hg19) VCF-style: chr19-45411832-A-C.
Other names: c.357A>C, p.Lys119Asn (NM_001302688.2); c.279A>C, p.Lys93Asn (NM_001302689.2, NM_001302690.2, NM_001302691.2); short protein forms K119N, K93N.
Identifiers: ClinVar variation 4534503 (VCV004534503.6).

ClinVar aggregate classification (germline): Uncertain significance (1 of 4 stars; one submission).

gnomAD v4.1: 5 of 1,613,578 alleles (0.00031%); highest among the groups gnomAD compares: Non-Finnish European, 0.00042%; no homozygotes.

Submission:

CeGaT Center for Human Genetics Tuebingen
Classification: Uncertain significance. Last evaluated: 2025-11-01. Review status: criteria provided, single submitter. Criteria: CeGaT Center For Human Genetics Tuebingen Variant Classification Criteria Version 2. Collection method: clinical testing. Allele origin: germline. Affected: yes. Observed: 1 variant allele.
Comment: APOE: PM2